The following is an entry in ClinVar:

NM_145868.2(ANXA11):c.1234C>T (p.Arg412Trp)

Genes: ANXA11 (annexin A11; minus strand), LOC126860977 (CDK7 strongly-dependent group 2 enhancer GRCh37_chr10:81917938-81919137; plus strand). Cytogenetic location: 10q22.3.
Variant type: single nucleotide variant.
Coding change: c.1234C>T on transcript NM_145868.2 (MANE Select); coding-DNA position 1234, C replaced by T.
Protein change: p.Arg412Trp; replaces arginine 412 with tryptophan.
Molecular consequence: missense variant.
Genome position (GRCh38, 1-based): chr10:80,159,142, G>A on the plus strand (C>T on the coding strand, the complement: ANXA11 is on the minus strand). VCF-style: chr10-80159142-G-A. GRCh37 (hg19) VCF-style: chr10-81918898-G-A.
Other names: c.1234C>T, p.Arg412Trp (NM_001157.3, NM_001278407.2, NM_001278408.2 and 1 more transcripts); c.1135C>T, p.Arg379Trp (NM_001278409.2); c.1234C>T (NM_001157.2); short protein forms R412W, R379W.
Identifiers: ClinVar variation 1511647 (VCV001511647.8), dbSNP rs375383859, ClinGen allele CA5575859.

ClinVar aggregate classification (germline): Uncertain significance. Review status: criteria provided, multiple submitters, no conflicts (2 of 4 stars). 2 submissions from 2 submitters: Uncertain significance (2). Last evaluated 2023-06-12.

Conditions:
Inborn genetic diseases. Identifiers: MedGen C0950123, MeSH D030342.

Allele frequency attached by ClinVar (database versions not stated): TOPMed 0.00005; gnomAD exomes 0.00006 and 0.00008; ESP Exome Variant Server 0.00015; ExAC 0.00004; gnomAD 0.00005.
gnomAD v4.1: 130 of 1,613,928 alleles (0.0081%); highest among the groups gnomAD compares: Non-Finnish European, 0.0097%; no homozygotes.

Submissions (2):

Ambry Genetics
Classification: Uncertain significance for Inborn genetic diseases. Last evaluated: 2023-06-12. Review status: criteria provided, single submitter. Criteria: Ambry Variant Classification Scheme 2023. Collection method: clinical testing. Allele origin: germline.

Labcorp Genetics (formerly Invitae), Labcorp
Classification: Uncertain significance. Last evaluated: 2023-04-20. Review status: criteria provided, single submitter. Criteria: Invitae Variant Classification Sherloc (09022015). Collection method: clinical testing. Allele origin: germline.
Comment: In summary, the available evidence is currently insufficient to determine the role of this variant in disease. Therefore, it has been classified as a Variant of Uncertain Significance. An algorithm developed to predict the effect of missense changes on protein structure and function (PolyPhen-2) suggests that this variant is likely to be disruptive. ClinVar contains an entry for this variant (Variation ID: 1511647). This variant has not been reported in the literature in individuals affected with ANXA11-related conditions. This variant is present in population databases (rs375383859, gnomAD 0.01%). This sequence change replaces arginine, which is basic and polar, with tryptophan, which is neutral and slightly polar, at codon 412 of the ANXA11 protein (p.Arg412Trp).